The following is an entry in ClinVar:

NM_001378454.1(ALMS1):c.4609G>A (p.Ala1537Thr)

Gene: ALMS1 (ALMS1 centrosome and basal body associated protein; plus strand). Cytogenetic location: 2p13.1.
Variant type: single nucleotide variant.
Coding change: c.4609G>A on transcript NM_001378454.1 (MANE Select); coding-DNA position 4609, G replaced by A.
Protein change: p.Ala1537Thr; replaces alanine 1537 with threonine.
Molecular consequence: missense variant.
Genome position (GRCh38, 1-based): chr2:73,451,136, G>A. VCF-style: chr2-73451136-G-A. GRCh37 (hg19) VCF-style: chr2-73678263-G-A.
Other names: c.4612G>A, p.Ala1538Thr (NM_015120.4); short protein forms A1537T, A1538T.
Identifiers: ClinVar variation 1374988 (VCV001374988.4), dbSNP rs2103783338, ClinGen allele CA347278896.

ClinVar aggregate classification (germline): Uncertain significance (1 of 4 stars; one submission).

Conditions:
Alstrom syndrome (ALMS). Identifiers: Orphanet 64, MedGen C0268425, MONDO:0008763, OMIM 203800.

Submission:

Labcorp Genetics (formerly Invitae), Labcorp
Classification: Uncertain significance for Alstrom syndrome. Last evaluated: 2021-04-24. Review status: criteria provided, single submitter. Criteria: Invitae Variant Classification Sherloc (09022015). Collection method: clinical testing. Allele origin: germline.
Comment: In summary, the available evidence is currently insufficient to determine the role of this variant in disease. Therefore, it has been classified as a Variant of Uncertain Significance. Experimental studies and prediction algorithms are not available or were not evaluated, and the functional significance of this variant is currently unknown. This variant has not been reported in the literature in individuals with ALMS1-related conditions. This variant is not present in population databases (ExAC no frequency). This sequence change replaces alanine with threonine at codon 1538 of the ALMS1 protein (p.Ala1538Thr). The alanine residue is weakly conserved and there is a small physicochemical difference between alanine and threonine.